The following is an entry in ClinVar:

NM_002206.3(ITGA7):c.1801C>T (p.Arg601Trp)

Gene: ITGA7 (integrin subunit alpha 7; minus strand). Cytogenetic location: 12q13.2.
Variant type: single nucleotide variant.
Coding change: c.1801C>T on transcript NM_002206.3 (MANE Select); coding-DNA position 1801, C replaced by T.
Protein change: p.Arg601Trp; replaces arginine 601 with tryptophan.
Molecular consequence: missense variant.
Genome position (GRCh38, 1-based): chr12:55,696,369, G>A on the plus strand (C>T on the coding strand, the complement: ITGA7 is on the minus strand). VCF-style: chr12-55696369-G-A. GRCh37 (hg19) VCF-style: chr12-56090153-G-A.
Other names: c.1813C>T, p.Arg605Trp (NM_001144996.2); c.1522C>T, p.Arg508Trp (NM_001144997.2); c.1474C>T, p.Arg492Trp (NM_001367993.1); c.457C>T, p.Arg153Trp (NM_001367994.1); c.1783C>T, p.Arg595Trp (NM_001374465.1); c.1933C>T, p.Arg645Trp (NM_001410977.1); c.1795C>T, p.Arg599Trp (NM_001414029.1); c.1726C>T, p.Arg576Trp (NM_001414030.1); and 5 more; short protein forms R492W, R508W, R595W, R153W, R601W, R605W, R645W, R572W.
Identifiers: ClinVar variation 1466472 (VCV001466472.5), dbSNP rs201875236, ClinGen allele CA6615828.

ClinVar aggregate classification (germline): Uncertain significance (1 of 4 stars; one submission).

Conditions:
Congenital muscular dystrophy due to integrin alpha-7 deficiency. Also called: MYOPATHY, CONGENITAL, DUE TO INTEGRIN ALPHA-7 DEFICIENCY; Congenital muscular dystrophy with integrin alpha-7 deficiency; Muscular dystrophy, congenital, due to ITGA7 deficiency. Identifiers: Orphanet 34520, MedGen C2750786, MONDO:0013177, OMIM 613204.

Allele frequency attached by ClinVar (database versions not stated): gnomAD exomes 0.00006 and 0.00010; TOPMed 0.00006; ExAC 0.00007; gnomAD 0.00007 and 0.00008.
gnomAD v4.1: 157 of 1,595,114 alleles (0.0098%); highest among the groups gnomAD compares: Non-Finnish European, 0.012%; no homozygotes.

Submission:

Labcorp Genetics (formerly Invitae), Labcorp
Classification: Uncertain significance for Congenital muscular dystrophy due to integrin alpha-7 deficiency. Last evaluated: 2022-06-21. Review status: criteria provided, single submitter. Criteria: Invitae Variant Classification Sherloc (09022015). Collection method: clinical testing. Allele origin: germline.
Comment: This sequence change replaces arginine, which is basic and polar, with tryptophan, which is neutral and slightly polar, at codon 601 of the ITGA7 protein (p.Arg601Trp). This variant is present in population databases (rs201875236, gnomAD 0.02%). This variant has not been reported in the literature in individuals affected with ITGA7-related conditions. Algorithms developed to predict the effect of missense changes on protein structure and function are either unavailable or do not agree on the potential impact of this missense change (SIFT: "Deleterious"; PolyPhen-2: "Probably Damaging"; Align-GVGD: "Class C0"). In summary, the available evidence is currently insufficient to determine the role of this variant in disease. Therefore, it has been classified as a Variant of Uncertain Significance.